The following is an entry in ClinVar:

NM_032608.7(MYO18B):c.7459G>A (p.Gly2487Arg)

Gene: MYO18B (myosin XVIIIB; plus strand). Cytogenetic location: 22q12.1.
Variant type: single nucleotide variant.
Coding change: c.7459G>A on transcript NM_032608.7 (MANE Select); coding-DNA position 7459, G replaced by A.
Protein change: p.Gly2487Arg; replaces glycine 2487 with arginine.
Molecular consequence: missense variant.
Genome position (GRCh38, 1-based): chr22:26,027,433, G>A. VCF-style: chr22-26027433-G-A. GRCh37 (hg19) VCF-style: chr22-26423399-G-A.
Other names: c.7462G>A, p.Gly2488Arg (NM_001318245.2); short protein forms G2488R, G2487R.
Identifiers: ClinVar variation 1984251 (VCV001984251.4), dbSNP rs1331733767, ClinGen allele CA411012566.
Genomic context (GRCh38, chr22:26,027,433, plus strand): 5'-GGTTCACAGCGTTCAAGCATCCACTTTGAAACGGAAGAGGCTAACCGTTCCTTTCTCTCG[G>A]GGATCAAGACCATTTTGAAGAAGAGCCCGGAGCCCAAGGAGGATCCCGCTCACCTGTCTG-3'
Protein context (NP_115997.5, residues 2477-2497): TEEANRSFLS[Gly2487Arg]IKTILKKSPE

ClinVar aggregate classification (germline): Uncertain significance (1 of 4 stars; one submission).

Allele frequency attached by ClinVar (database versions not stated): gnomAD exomes below 0.00001; gnomAD 0.00001.
gnomAD v4.1: 5 of 1,613,816 alleles (0.00031%); highest among the groups gnomAD compares: Admixed American, 0.0083%; no homozygotes.

Submission:

Labcorp Genetics (formerly Invitae), Labcorp
Classification: Uncertain significance. Last evaluated: 2022-07-13. Review status: criteria provided, single submitter. Criteria: Invitae Variant Classification Sherloc (09022015). Collection method: clinical testing. Allele origin: germline.
Comment: In summary, the available evidence is currently insufficient to determine the role of this variant in disease. Therefore, it has been classified as a Variant of Uncertain Significance. Algorithms developed to predict the effect of missense changes on protein structure and function are either unavailable or do not agree on the potential impact of this missense change (SIFT: "Not Available"; PolyPhen-2: "Possibly Damaging"; Align-GVGD: "Not Available"). This variant has not been reported in the literature in individuals affected with MYO18B-related conditions. This variant is present in population databases (no rsID available, gnomAD 0.003%). This sequence change replaces glycine, which is neutral and non-polar, with arginine, which is basic and polar, at codon 2487 of the MYO18B protein (p.Gly2487Arg).